The following is an entry in ClinVar:

ClinVar aggregate classification (germline): Likely pathogenic (1 of 4 stars; one submission).

Conditions:
Spondyloepiphyseal dysplasia. Also called: Spondylo-epi-(meta)-physeal dysplasia. Identifiers: Orphanet 253, MedGen C0038015, MONDO:0016761, HP:0002655.

Submission:

Dubai Health Genomic Medicine Center, Dubai Health
Classification: Likely pathogenic for Spondyloepiphyseal dysplasia. Last evaluated: 2024-10-04. Review status: criteria provided, single submitter. Criteria: ACMG Guidelines, 2015. Collection method: research. Allele origin: germline. Affected: yes.
Comment: PVS1,PM2

NM_001369268.1(ACAN):c.6946+1G>T

Gene: ACAN (aggrecan; plus strand). Cytogenetic location: 15q26.1.
Variant type: single nucleotide variant.
Coding change: c.6946+1G>T on transcript NM_001369268.1 (MANE Select); the canonical splice donor site of the intron after coding-DNA position 6946, G replaced by T.
Molecular consequence: splice donor variant. On other transcripts: intron variant (3).
Genome position (GRCh38, 1-based): chr15:88,860,440, G>T. VCF-style: chr15-88860440-G-T. GRCh37 (hg19) VCF-style: chr15-89403671-G-T.
Other names: c.6946+1G>T (NM_013227.4); c.6832+1023G>T (NM_001411097.1, NM_001411096.1, NM_001135.4).
Identifiers: ClinVar variation 3384001 (VCV003384001.1).